The following is an entry in ClinVar:

NM_032638.5(GATA2):c.1021G>T (p.Ala341Ser)

Gene: GATA2 (GATA binding protein 2; minus strand). Cytogenetic location: 3q21.3.
Variant type: single nucleotide variant.
Coding change: c.1021G>T on transcript NM_032638.5 (MANE Select); coding-DNA position 1021, G replaced by T.
Protein change: p.Ala341Ser; replaces alanine 341 with serine.
Molecular consequence: missense variant. On other transcripts: intron variant (1).
Genome position (GRCh38, 1-based): chr3:128,481,941, C>A on the plus strand (G>T on the coding strand, the complement: GATA2 is on the minus strand). VCF-style: chr3-128481941-C-A. GRCh37 (hg19) VCF-style: chr3-128200784-C-A.
Other names: c.1021G>T, p.Ala341Ser (NM_001145661.2); c.1018-39G>T (NM_001145662.1); short protein forms A341S.
Identifiers: ClinVar variation 1024680 (VCV001024680.8), dbSNP rs2068635788, ClinGen allele CA354413706.

ClinVar aggregate classification (germline): Uncertain significance (1 of 4 stars; one submission).

Conditions:
Deafness-lymphedema-leukemia syndrome. Also called: Emberger syndrome; Lymphedema, primary, with myelodysplasia. Identifiers: Orphanet 3226, MedGen C3279664, MONDO:0013540, OMIM 614038.
Monocytopenia with susceptibility to infections. Also called: MONOCYTOPENIA AND MYCOBACTERIAL INFECTION SYNDROME; MONOCYTOPENIA WITH SUSCEPTIBILITY TO MYCOBACTERIAL, FUNGAL, AND PAPILLOMAVIRUS INFECTIONS AND MYELODYSPLASIA; COMBINED IMMUNODEFICIENCY WITH SUSCEPTIBILITY TO MYCOBACTERIAL, VIRAL, AND FUNGAL INFECTIONS; IMMUNODEFICIENCY 21; GATA2 DEFICIENCY; Dendritic cell, monocyte, B lymphocyte, and natural killer lymphocyte deficiency. Identifiers: Orphanet 228423, MedGen C3280030, MONDO:0013607, OMIM 614172.

Submission:

Labcorp Genetics (formerly Invitae), Labcorp
Classification: Uncertain significance for Monocytopenia with susceptibility to infections; Deafness-lymphedema-leukemia syndrome. Last evaluated: 2023-04-04. Review status: criteria provided, single submitter. Criteria: Invitae Variant Classification Sherloc (09022015). Collection method: clinical testing. Allele origin: germline.
Comment: This variant has not been reported in the literature in individuals affected with GATA2-related conditions. ClinVar contains an entry for this variant (Variation ID: 1024680). Advanced modeling of protein sequence and biophysical properties (such as structural, functional, and spatial information, amino acid conservation, physicochemical variation, residue mobility, and thermodynamic stability) has been performed at Invitae for this missense variant, however the output from this modeling did not meet the statistical confidence thresholds required to predict the impact of this variant on GATA2 protein function. In summary, the available evidence is currently insufficient to determine the role of this variant in disease. Therefore, it has been classified as a Variant of Uncertain Significance. This variant is not present in population databases (gnomAD no frequency). This sequence change replaces alanine, which is neutral and non-polar, with serine, which is neutral and polar, at codon 341 of the GATA2 protein (p.Ala341Ser).